The following is an entry in ClinVar:

ClinVar aggregate classification (germline): Likely benign. Review status: criteria provided, multiple submitters, no conflicts (2 of 4 stars). 2 submissions from 2 submitters: Likely benign (2). Last evaluated 2024-05-01.

Conditions:
Hereditary cancer-predisposing syndrome. Also called: Hereditary neoplastic syndrome; Neoplastic Syndromes, Hereditary; Tumor predisposition; Hereditary Cancer Syndrome. Identifiers: Orphanet 140162, MedGen C0027672, MeSH D009386, MONDO:0015356.

Submissions (2):

CeGaT Center for Human Genetics Tuebingen
Classification: Likely benign. Last evaluated: 2024-05-01. Review status: criteria provided, single submitter. Criteria: CeGaT Center For Human Genetics Tuebingen Variant Classification Criteria Version 2. Collection method: clinical testing. Allele origin: germline. Affected: yes. Observed: 1 variant allele.
Comment: EPCAM: PM2:Supporting, BP4, BP7

Ambry Genetics
Classification: Likely benign for Hereditary cancer-predisposing syndrome. Last evaluated: 2021-09-16. Review status: criteria provided, single submitter. Criteria: Ambry Variant Classification Scheme 2023. Collection method: clinical testing. Allele origin: germline.

NM_002354.3(EPCAM):c.54G>C (p.Ala18=)

Gene: EPCAM (epithelial cell adhesion molecule; plus strand). Cytogenetic location: 2p21.
Variant type: single nucleotide variant.
Coding change: c.54G>C on transcript NM_002354.3 (MANE Select); coding-DNA position 54, G replaced by C.
Protein change: p.Ala18=; no amino-acid change (alanine 18 retained).
Molecular consequence: synonymous variant.
Genome position (GRCh38, 1-based): chr2:47,369,559, G>C. VCF-style: chr2-47369559-G-C. GRCh37 (hg19) VCF-style: chr2-47596698-G-C.
Identifiers: ClinVar variation 1747963 (VCV001747963.21), dbSNP rs2103738194, ClinGen allele CA426119122.